The following is an entry in ClinVar:

NM_001375567.1(FOCAD):c.4769T>G (p.Val1590Gly)

Gene: FOCAD (focadhesin; plus strand). Cytogenetic location: 9p21.3.
Variant type: single nucleotide variant.
Coding change: c.4769T>G on transcript NM_001375567.1 (MANE Select); coding-DNA position 4769, T replaced by G.
Protein change: p.Val1590Gly; replaces valine 1590 with glycine.
Molecular consequence: missense variant.
Genome position (GRCh38, 1-based): chr9:20,986,328, T>G. VCF-style: chr9-20986328-T-G. GRCh37 (hg19) VCF-style: chr9-20986327-T-G.
Other names: c.4664T>G, p.Val1555Gly (NM_001375568.1, NM_001375570.1); c.4769T>G, p.Val1590Gly (NM_017794.5); short protein forms V1555G, V1590G.
Identifiers: ClinVar variation 3651745 (VCV003651745.2).

ClinVar aggregate classification (germline): Uncertain significance (1 of 4 stars; one submission).

Submission:

Labcorp Genetics (formerly Invitae), Labcorp
Classification: Uncertain significance. Last evaluated: 2024-05-01. Review status: criteria provided, single submitter. Criteria: Invitae Variant Classification Sherloc (09022015). Collection method: clinical testing. Allele origin: germline.
Comment: This sequence change replaces valine, which is neutral and non-polar, with glycine, which is neutral and non-polar, at codon 1590 of the FOCAD protein (p.Val1590Gly). This variant is not present in population databases (gnomAD no frequency). This variant has not been reported in the literature in individuals affected with FOCAD-related conditions. Experimental studies and prediction algorithms are not available or were not evaluated, and the functional significance of this variant is currently unknown. In summary, the available evidence is currently insufficient to determine the role of this variant in disease. Therefore, it has been classified as a Variant of Uncertain Significance.